The following is an entry in ClinVar:

NM_001322934.2(NFKB2):c.1469+4G>A

Gene: NFKB2 (nuclear factor kappa B subunit 2; plus strand). Cytogenetic location: 10q24.32.
Variant type: single nucleotide variant.
Coding change: c.1469+4G>A on transcript NM_001322934.2 (MANE Select); 4 bases into the intron after coding-DNA position 1469, G replaced by A.
Molecular consequence: intron variant.
Genome position (GRCh38, 1-based): chr10:102,399,722, G>A. VCF-style: chr10-102399722-G-A. GRCh37 (hg19) VCF-style: chr10-104159479-G-A.
Other names: c.1469+4G>A (NM_001288724.1, NM_001077494.3, NM_001261403.3 and 1 more transcripts); c.1343+4G>A (NM_001322935.1).
Identifiers: ClinVar variation 1417440 (VCV001417440.8), dbSNP rs1055046721, ClinGen allele CA212215996.

ClinVar aggregate classification (germline): Uncertain significance (1 of 4 stars; one submission).

Conditions:
Immunodeficiency, common variable, 10. Also called: IMMUNODEFICIENCY, COMMON VARIABLE, WITH CENTRAL ADRENAL INSUFFICIENCY; DEFICIT IN ANTERIOR PITUITARY FUNCTION AND VARIABLE IMMUNODEFICIENCY. Identifiers: MedGen C3809991, MONDO:0014260, OMIM 615577.

Allele frequency attached by ClinVar (database versions not stated): gnomAD 0.00001; TOPMed 0.00001; gnomAD exomes 0.00004.
gnomAD v4.1: 6 of 1,464,294 alleles (0.00041%); highest among the groups gnomAD compares: Admixed American, 0.01%; no homozygotes.

Submission:

Labcorp Genetics (formerly Invitae), Labcorp
Classification: Uncertain significance for Immunodeficiency, common variable, 10. Last evaluated: 2024-06-26. Review status: criteria provided, single submitter. Criteria: Invitae Variant Classification Sherloc (09022015). Collection method: clinical testing. Allele origin: germline.
Comment: This sequence change falls in intron 14 of the NFKB2 gene. It does not directly change the encoded amino acid sequence of the NFKB2 protein. It affects a nucleotide within the consensus splice site. This variant is present in population databases (no rsID available, gnomAD 0.02%). This variant has not been reported in the literature in individuals affected with NFKB2-related conditions. ClinVar contains an entry for this variant (Variation ID: 1417440). Variants that disrupt the consensus splice site are a relatively common cause of aberrant splicing (PMID: 17576681, 9536098). Algorithms developed to predict the effect of sequence changes on RNA splicing suggest that this variant is not likely to affect RNA splicing. In summary, the available evidence is currently insufficient to determine the role of this variant in disease. Therefore, it has been classified as a Variant of Uncertain Significance.

Literature cited by the submitters: PubMed 17576681; PubMed 9536098.